The following is an entry in ClinVar:

NM_000516.7(GNAS):c.658del (p.His220fs)

Gene: GNAS (GNAS complex locus; plus strand). Cytogenetic location: 20q13.32.
Variant type: Deletion.
Coding change: c.658del on transcript NM_000516.7 (MANE Select); coding-DNA position 658, one base deleted (C; older notation c.658delC).
Protein change: p.His220fs; shifts the reading frame from histidine 220.
Molecular consequence: frameshift variant. On other transcripts: 3 prime UTR variant (2).
Genome position (GRCh38, 1-based): chr20:58,909,422, C deleted; the last of 2 consecutive C bases (chr20:58,909,421-58,909,422); deleting either gives the same sequence. VCF-style (leftmost placement, unchanged base first): chr20-58909420-TC-T. GRCh37 (hg19) VCF-style: chr20-57484475-TC-T.
Other names: c.661del, p.His221fs (NM_001077488.5); c.613del, p.His205fs (NM_001077489.4); c.*519del (NM_001077490.3); c.481del, p.His161fs (NM_001309840.2, NM_001309861.2); c.562del, p.His188fs (NM_001410912.1); c.2542del, p.His848fs (NM_001410913.1); c.*564del (NM_016592.5); c.2587del, p.His863fs (NM_080425.4); and 1 more; short protein forms H188fs, H863fs, H205fs, H206fs, H221fs, H161fs, H220fs, H848fs.
Identifiers: ClinVar variation 2585419 (VCV002585419.1), dbSNP rs2517241190, ClinGen allele CA2577436693.
Genomic context (GRCh38, chr20:58,909,420, plus strand): 5'-GCTGCCGTGTCCTGACTTCTGGAATCTTTGAGACCAAGTTCCAGGTGGACAAAGTCAACT[TC>T]CAGTAAGCCAACTGTTACCTTTTTATATAACAGAGATCATGGTTTCTTGACATTCACCCC-3'

ClinVar aggregate classification (germline): Likely pathogenic (1 of 4 stars; one submission).

Conditions:
Pseudohypoparathyroidism type I A (PHP1A). Also called: Pseudohypoparathyroidism type 1A; Pseudohypoparathyroidism Type IA; Pseudohypoparathyroidism Ia (PHP-Ia); PHP IA; ALBRIGHT HEREDITARY OSTEODYSTROPHY WITH MULTIPLE HORMONE RESISTANCE. Identifiers: Orphanet 79443, MedGen C3494506, MONDO:0007078, OMIM 103580.

Submission:

Neuberg Centre For Genomic Medicine, NCGM
Classification: Likely pathogenic for Pseudohypoparathyroidism type I A. Review status: criteria provided, single submitter. Criteria: ACMG Guidelines, 2015. Collection method: clinical testing. Allele origin: germline. Inheritance: Autosomal dominant inheritance. Affected: yes.
Comment: The frameshift variant c.2587del (p.His863ThrfsTer22) has not been reported previously as a pathogenic variant nor as a benign variant, to our knowledge. This variant is novel (not in any individuals) in gnomAD Exomes and 1000 Genomes. This variant is predicted to cause loss of normal protein function through protein truncation. Loss of function variants have been previously reported to be disease causing. For these reasons, this variant has been classified as Likely Pathogenic.